The following is an entry in ClinVar:

NM_001540.3:c.+11C>T

Gene: HSPB1 (heat shock protein family B (small) member 1; plus strand). Cytogenetic location: 7q11.23.
Variant type: single nucleotide variant.
Identifiers: ClinVar variation 137559 (VCV000137559.1).

ClinVar aggregate classification (germline): Benign (1 of 4 stars; one submission).

Submission:

GeneDx
Classification: Benign. Last evaluated: 2014-03-24. Review status: criteria provided, single submitter. Criteria: GeneDx Variant Classification (06012015). Collection method: clinical testing. Allele origin: germline.
Comment: The variant is found in NEUROPATHY panel(s).